The following is an entry in ClinVar:

NM_000238.4(KCNH2):c.2689A>C (p.Lys897Gln)

Gene: KCNH2 (potassium voltage-gated channel subfamily H member 2; minus strand). Cytogenetic location: 7q36.1.
Variant type: single nucleotide variant.
Coding change: c.2689A>C on transcript NM_000238.4 (MANE Select); coding-DNA position 2689, A replaced by C.
Protein change: p.Lys897Gln; replaces lysine 897 with glutamine.
Molecular consequence: missense variant. On other transcripts: non-coding transcript variant (2).
Genome position (GRCh38, 1-based): chr7:150,948,447, T>G on the plus strand (A>C on the coding strand, the complement: KCNH2 is on the minus strand). VCF-style: chr7-150948447-T-G. GRCh37 (hg19) VCF-style: chr7-150645535-T-G.
Other names: c.2401A>C, p.Lys801Gln (NM_001406753.1); c.1669A>C, p.Lys557Gln (NM_172057.3); short protein forms K557Q, K801Q, K897Q.
Identifiers: ClinVar variation 2773429 (VCV002773429.2), dbSNP rs2486011824, ClinGen allele CA369853615.

ClinVar aggregate classification (germline): Uncertain significance (1 of 4 stars; one submission).

Conditions:
Cardiac arrhythmia. Also called: Arrhythmia; Cardiac rhythm disease. Identifiers: MedGen C0003811, MONDO:0007263, HP:0011675.

Submission:

Color Diagnostics, LLC DBA Color Health
Classification: Uncertain significance for Cardiac arrhythmia. Last evaluated: 2023-11-22. Review status: criteria provided, single submitter. Criteria: ACMG Guidelines, 2015. Collection method: clinical testing. Allele origin: germline.
Comment: This missense variant replaces lysine with glutamine at codon 897 of the KCNH2 protein. Computational prediction is inconclusive regarding the impact of this variant on protein structure and function (internally defined REVEL score threshold 0.5 < inconclusive < 0.7, PMID: 27666373). To our knowledge, functional studies have not been reported for this variant. This variant has not been reported in individuals affected with KCNH2-related disorders in the literature. This variant has not been identified in the general population by the Genome Aggregation Database (gnomAD). The available evidence is insufficient to determine the role of this variant in disease conclusively. Therefore, this variant is classified as a Variant of Uncertain Significance.